The following is an entry in ClinVar:

ClinVar aggregate classification (germline): Uncertain significance (1 of 4 stars; one submission).

Conditions:
Dyskeratosis congenita, autosomal dominant 2. Identifiers: MedGen C3151443, MONDO:0013521, OMIM 613989.
Idiopathic Pulmonary Fibrosis. Also called: Idiopathic fibrosing alveolitis, chronic form; idiopathic fibrosing alveolitis. Identifiers: Orphanet 2032, MedGen C1800706, MeSH D054990, MONDO:0800504.

gnomAD v4.1: 1 of 1,613,006 alleles (0.000062%); highest among the groups gnomAD compares: Non-Finnish European, 0.000085%; no homozygotes.

Submission:

Labcorp Genetics (formerly Invitae), Labcorp
Classification: Uncertain significance for Dyskeratosis congenita, autosomal dominant 2; Idiopathic Pulmonary Fibrosis. Last evaluated: 2019-12-27. Review status: criteria provided, single submitter. Criteria: Invitae Variant Classification Sherloc (09022015). Collection method: clinical testing. Allele origin: germline.
Comment: In summary, the available evidence is currently insufficient to determine the role of this variant in disease. Therefore, it has been classified as a Variant of Uncertain Significance. Algorithms developed to predict the effect of missense changes on protein structure and function are either unavailable or do not agree on the potential impact of this missense change (SIFT: "Tolerated"; PolyPhen-2: "Possibly Damaging"; Align-GVGD: "Class C0"). This variant has not been reported in the literature in individuals with TERT-related conditions. This variant is not present in population databases (ExAC no frequency). This sequence change replaces arginine with glycine at codon 521 of the TERT protein (p.Arg521Gly). The arginine residue is moderately conserved and there is a moderate physicochemical difference between arginine and glycine.

NM_198253.3(TERT):c.1561C>G (p.Arg521Gly)

Gene: TERT (telomerase reverse transcriptase; minus strand). Cytogenetic location: 5p15.33.
Variant type: single nucleotide variant.
Coding change: c.1561C>G on transcript NM_198253.3 (MANE Select); coding-DNA position 1561, C replaced by G.
Protein change: p.Arg521Gly; replaces arginine 521 with glycine.
Molecular consequence: missense variant. On other transcripts: non-coding transcript variant (2).
Genome position (GRCh38, 1-based): chr5:1,293,325, G>C on the plus strand (C>G on the coding strand, the complement: TERT is on the minus strand). VCF-style: chr5-1293325-G-C. GRCh37 (hg19) VCF-style: chr5-1293440-G-C.
Other names: c.1561C>G, p.Arg521Gly (NM_001193376.3); short protein forms R521G.
Identifiers: ClinVar variation 839285 (VCV000839285.48), dbSNP rs1448835821, ClinGen allele CA359085035.